The following is an entry in ClinVar:

NM_003001.5(SDHC):c.165C>T (p.His55=)

Gene: SDHC (succinate dehydrogenase complex subunit C; plus strand). Cytogenetic location: 1q23.3.
Variant type: single nucleotide variant.
Coding change: c.165C>T on transcript NM_003001.5 (MANE Select); coding-DNA position 165, C replaced by T.
Protein change: p.His55=; no amino-acid change (histidine 55 retained).
Molecular consequence: synonymous variant. On other transcripts: non-coding transcript variant (1), intron variant (4).
Genome position (GRCh38, 1-based): chr1:161,328,483, C>T. VCF-style: chr1-161328483-C-T. GRCh37 (hg19) VCF-style: chr1-161298273-C-T.
Other names: c.165C>T, p.His55= (NM_001035511.3, NM_001407115.1); c.108C>T, p.His36= (NM_001407116.1, NM_001407117.1, NM_001407121.1); c.54C>T, p.His18= (NM_001407119.1, NM_001407120.1); c.77+4813C>T (NM_001035512.3, NM_001278172.3, NM_001407118.1); c.21-12111C>T (NM_001035513.3).
Identifiers: ClinVar variation 185317 (VCV000185317.20), dbSNP rs786202080, ClinGen allele CA011524.
Genomic context (GRCh38, chr1:161,328,483, plus strand): 5'-AGAAGAGATGGAGCGGTTCTGGAATAAGAATATAGGTTCAAACCGTCCTCTGTCTCCCCA[C>T]ATTACTATCTACAGGTAAGGAAGGATTCTGGAGCCAGAGAATCTAGAGGTAGTGGGTGAA-3'
Protein context (NP_002992.1, residues 45-65): NIGSNRPLSP[His55=]ITIYSWSLPM

ClinVar aggregate classification (germline): Conflicting classifications of pathogenicity. Review status: criteria provided, conflicting classifications (1 of 4 stars). 4 submissions from 4 submitters: Uncertain significance (1); Benign (1); Likely benign (2). Last evaluated 2025-04-09.

Conditions:
Gastrointestinal stromal tumor. Also called: Gastrointestinal stromal tumor, somatic; Gastrointestinal stroma tumor. Identifiers: Orphanet 44890, MedGen C0238198, MeSH D046152, MONDO:0011719, OMIM 606764, HP:0100723.
Pheochromocytoma/paraganglioma syndrome 3. Also called: SDHC-Related Hereditary Paraganglioma-Pheochromocytoma Syndrome; Paragangliomas 3; GLOMUS TUMORS, FAMILIAL, 3; SDHC-Related Hereditary Paraganglioma-Pheochromocytoma Syndrome (Paragangliomas 3). Identifiers: Orphanet 29072, MedGen C1854336, MONDO:0011544, OMIM 605373.
Hereditary cancer-predisposing syndrome. Also called: Tumor predisposition; Neoplastic Syndromes, Hereditary; Hereditary Cancer Syndrome; Hereditary neoplastic syndrome. Identifiers: Orphanet 140162, MedGen C0027672, MeSH D009386, MONDO:0015356.

gnomAD v4.1: 1 of 1,605,630 alleles (0.000062%); highest among the groups gnomAD compares: Middle Eastern, 0.017%; no homozygotes.

Submissions (4):

Labcorp Genetics (formerly Invitae), Labcorp
Classification: Likely benign for Pheochromocytoma/paraganglioma syndrome 3; Gastrointestinal stromal tumor. Last evaluated: 2025-04-09. Review status: criteria provided, single submitter. Criteria: Invitae Variant Classification Sherloc (09022015). Collection method: clinical testing. Allele origin: germline.

Myriad Genetics, Inc.
Classification: Benign for Pheochromocytoma/paraganglioma syndrome 3. Last evaluated: 2025-03-14. Review status: criteria provided, single submitter. Criteria: Myriad Autosomal Dominant, Autosomal Recessive and X-Linked Classification Criteria (2023). Collection method: clinical testing. Allele origin: unknown.
Comment: This variant is considered benign. This variant is a silent/synonymous amino acid change and it is not expected to impact splicing.

Ambry Genetics
Classification: Likely benign for Hereditary cancer-predisposing syndrome. Last evaluated: 2019-03-23. Review status: criteria provided, single submitter. Criteria: Ambry Variant Classification Scheme 2023. Collection method: clinical testing. Allele origin: germline.

Quest Diagnostics Nichols Institute San Juan Capistrano
Classification: Uncertain significance. Last evaluated: 2018-09-11. Review status: criteria provided, single submitter. Criteria: Quest Diagnostics criteria. Collection method: clinical testing. Allele origin: germline.